The following is an entry in ClinVar:

ClinVar aggregate classification (germline): Uncertain significance (1 of 4 stars; one submission).

Allele frequency attached by ClinVar (database versions not stated): gnomAD exomes below 0.00001; gnomAD 0.00001.
gnomAD v4.1: 3 of 1,614,096 alleles (0.00019%); highest among the groups gnomAD compares: Admixed American, 0.005%; no homozygotes.

Submission:

Labcorp Genetics (formerly Invitae), Labcorp
Classification: Uncertain significance. Last evaluated: 2022-05-04. Review status: criteria provided, single submitter. Criteria: Invitae Variant Classification Sherloc (09022015). Collection method: clinical testing. Allele origin: germline.
Comment: This variant has not been reported in the literature in individuals affected with SLC25A4-related conditions. This sequence change replaces valine, which is neutral and non-polar, with leucine, which is neutral and non-polar, at codon 227 of the SLC25A4 protein (p.Val227Leu). This variant is present in population databases (no rsID available, gnomAD 0.006%). Algorithms developed to predict the effect of missense changes on protein structure and function (SIFT, PolyPhen-2, Align-GVGD) all suggest that this variant is likely to be tolerated. In summary, the available evidence is currently insufficient to determine the role of this variant in disease. Therefore, it has been classified as a Variant of Uncertain Significance.

NM_001151.4(SLC25A4):c.679G>C (p.Val227Leu)

Gene: SLC25A4 (solute carrier family 25 member 4; plus strand). Cytogenetic location: 4q35.1.
Variant type: single nucleotide variant.
Coding change: c.679G>C on transcript NM_001151.4 (MANE Select); coding-DNA position 679, G replaced by C.
Protein change: p.Val227Leu; replaces valine 227 with leucine.
Molecular consequence: missense variant.
Genome position (GRCh38, 1-based): chr4:185,145,839, G>C. VCF-style: chr4-185145839-G-C. GRCh37 (hg19) VCF-style: chr4-186066993-G-C.
Other names: short protein forms V227L.
Identifiers: ClinVar variation 1983118 (VCV001983118.4), dbSNP rs1268515244, ClinGen allele CA358897157.